The following is an entry in ClinVar:

ClinVar aggregate classification (germline): Conflicting classifications of pathogenicity. Review status: criteria provided, conflicting classifications (1 of 4 stars). 4 submissions from 4 submitters: Likely pathogenic (3); Uncertain significance (1). Last evaluated 2025-06-23.

Conditions:
Usher syndrome. Also called: Usher Syndromes; Usher's syndrome. Identifiers: Orphanet 886, MedGen CN469326, MeSH D052245, MONDO:0019501. Disease mechanism: loss of function.
Usher syndrome type 2A. Also called: RETINAL DISEASE IN USHER SYNDROME TYPE IIA, MODIFIER OF; USHER SYNDROME, TYPE IIA. Identifiers: Orphanet 231178, Orphanet 886, MedGen C1848634, MONDO:0010169, OMIM 276901.

gnomAD v4.1: 1 of 1,613,970 alleles (0.000062%); no homozygotes.

Submissions (4):

Labcorp Genetics (formerly Invitae), Labcorp
Classification: Likely pathogenic. Last evaluated: 2025-06-23. Review status: criteria provided, single submitter. Criteria: Invitae Variant Classification Sherloc (09022015). Collection method: clinical testing. Allele origin: germline.
Comment: This sequence change replaces lysine, which is basic and polar, with glutamine, which is neutral and polar, at codon 559 of the USH2A protein (p.Lys559Gln). This variant is present in population databases (no rsID available, gnomAD no frequency). This missense change has been observed in individuals with clinical features of USH2A-related conditions (PMID: 32675063, 36460718; internal data). ClinVar contains an entry for this variant (Variation ID: 3767139). Invitae Evidence Modeling of protein sequence and biophysical properties (such as structural, functional, and spatial information, amino acid conservation, physicochemical variation, residue mobility, and thermodynamic stability) has been performed for this missense variant. However, the output from this modeling did not meet the statistical confidence thresholds required to predict the impact of this variant on USH2A protein function. In summary, the currently available evidence indicates that the variant is pathogenic, but additional data are needed to prove that conclusively. Therefore, this variant has been classified as Likely Pathogenic.

Women's Health and Genetics/Laboratory Corporation of America, LabCorp
Classification: Likely pathogenic for Usher syndrome. Last evaluated: 2024-12-20. Review status: criteria provided, single submitter. Criteria: LabCorp Variant Classification Summary - May 2015. Collection method: clinical testing. Allele origin: germline.
Comment: Variant summary: USH2A c.1675A>C (p.Lys559Gln) results in a conservative amino acid change in the encoded protein sequence. Three of five in-silico tools predict a damaging effect of the variant on protein function. The variant allele was found at a frequency of 4e-06 in 251222 control chromosomes (gnomAD). c.1675A>C has been reported in the literature in individuals affected with inherited retinal disease (Zhu_2021, Karali_2022). These data indicate that the variant is likely to be associated with disease. To our knowledge, no experimental evidence demonstrating an impact on protein function has been reported. The following publications have been ascertained in the context of this evaluation (PMID: 32675063, 36460718). No submitters have cited clinical-significance assessments for this variant to ClinVar. Based on the evidence outlined above, the variant was classified as likely pathogenic.

MAGI'S LAB - Medical Genetics Laboratory, MAGI GROUP
Classification: Likely pathogenic for Usher syndrome type 2A. Last evaluated: 2024-11-28. Review status: criteria provided, single submitter. Criteria: ACMG Guidelines, 2015. Collection method: clinical testing. Allele origin: unknown. Inheritance: Autosomal recessive inheritance. Affected: yes. Observed: 1 compound heterozygote.
Comment: This variant has been classified as likely pathogenic according to the ACMG criteria: PM1, PM2, PM3_Supporting, PP1, PP3.

Blueprint Genetics
Classification: Uncertain significance. Last evaluated: 2023-08-29. Review status: criteria provided, single submitter. Criteria: ACMG Guidelines, 2015. Collection method: clinical testing. Allele origin: germline.

Literature cited by the submitters: PubMed 32675063 (cited by Labcorp Genetics (formerly Invitae), Labcorp and Women's Health and Genetics/Laboratory Corporation of America, LabCorp); PubMed 36460718 (cited by Labcorp Genetics (formerly Invitae), Labcorp and Women's Health and Genetics/Laboratory Corporation of America, LabCorp).

NM_206933.4(USH2A):c.1675A>C (p.Lys559Gln)

Gene: USH2A (usherin; minus strand). Cytogenetic location: 1q41.
Variant type: single nucleotide variant.
Coding change: c.1675A>C on transcript NM_206933.4 (MANE Select); coding-DNA position 1675, A replaced by C.
Protein change: p.Lys559Gln; replaces lysine 559 with glutamine.
Molecular consequence: missense variant.
Genome position (GRCh38, 1-based): chr1:216,292,340, T>G on the plus strand (A>C on the coding strand, the complement: USH2A is on the minus strand). VCF-style: chr1-216292340-T-G. GRCh37 (hg19) VCF-style: chr1-216465682-T-G.
Other names: c.1675A>C, p.Lys559Gln (NM_007123.6); short protein forms K559Q.
Identifiers: ClinVar variation 3767139 (VCV003767139.5).